The following is an entry in ClinVar:

ClinVar aggregate classification (germline): Uncertain significance (1 of 4 stars; one submission).

Conditions:
Bethlem myopathy 1A. Also called: MYOPATHY, BENIGN CONGENITAL, WITH CONTRACTURES; Bethlem myopathy 1; Bethlem Muscular Dystrophy. Identifiers: Orphanet 610, MedGen CN029274, MONDO:0024530, OMIM 158810.

Submission:

Labcorp Genetics (formerly Invitae), Labcorp
Classification: Uncertain significance for Bethlem myopathy 1A. Last evaluated: 2025-06-06. Review status: criteria provided, single submitter. Criteria: Invitae Variant Classification Sherloc (09022015). Collection method: clinical testing. Allele origin: germline.
Comment: This sequence change replaces glutamine, which is neutral and polar, with arginine, which is basic and polar, at codon 883 of the COL6A1 protein (p.Gln883Arg). This variant is not present in population databases (gnomAD no frequency). This variant has not been reported in the literature in individuals affected with COL6A1-related conditions. Invitae Evidence Modeling of protein sequence and biophysical properties (such as structural, functional, and spatial information, amino acid conservation, physicochemical variation, residue mobility, and thermodynamic stability) indicates that this missense variant is not expected to disrupt COL6A1 protein function with a negative predictive value of 95%. In summary, the available evidence is currently insufficient to determine the role of this variant in disease. Therefore, it has been classified as a Variant of Uncertain Significance.

NM_001848.3(COL6A1):c.2648A>G (p.Gln883Arg)

Gene: COL6A1 (collagen type VI alpha 1 chain; plus strand). Cytogenetic location: 21q22.3.
Variant type: single nucleotide variant.
Coding change: c.2648A>G on transcript NM_001848.3 (MANE Select); coding-DNA position 2648, A replaced by G.
Protein change: p.Gln883Arg; replaces glutamine 883 with arginine.
Molecular consequence: missense variant.
Genome position (GRCh38, 1-based): chr21:46,003,574, A>G. VCF-style: chr21-46003574-A-G. GRCh37 (hg19) VCF-style: chr21-47423488-A-G.
Other names: short protein forms Q883R.
Identifiers: ClinVar variation 4707031 (VCV004707031.1).